The following is an entry in ClinVar:

NM_006269.2(RP1):c.3694A>G (p.Ile1232Val)

Gene: RP1 (RP1 axonemal microtubule associated; plus strand). Cytogenetic location: 8q12.1.
Variant type: single nucleotide variant.
Coding change: c.3694A>G on transcript NM_006269.2 (MANE Select); coding-DNA position 3694, A replaced by G.
Protein change: p.Ile1232Val; replaces isoleucine 1232 with valine.
Molecular consequence: missense variant. On other transcripts: intron variant (1).
Genome position (GRCh38, 1-based): chr8:54,627,576, A>G. VCF-style: chr8-54627576-A-G. GRCh37 (hg19) VCF-style: chr8-55540136-A-G.
Other names: c.787+5288A>G (NM_001375654.1); c.3694A>G (NM_006269.1); short protein forms I1232V.
Identifiers: ClinVar variation 1058125 (VCV001058125.8), dbSNP rs368788385, ClinGen allele CA4751731.
Genomic context (GRCh38, chr8:54,627,576, plus strand): 5'-TGTTCCACGGTCAACATTCAGAGTGTTCCTAAGTGCAGTGAAAATGAAAGAACACAAGGA[A>G]TCTCCTCTTTGGATGGAGGTTGCTCTGCCAGTGAGGCATGTGCCCCTGAAGTCTGTGTTT-3'
Protein context (NP_006260.1, residues 1222-1242): KCSENERTQG[Ile1232Val]SSLDGGCSAS

ClinVar aggregate classification (germline): Uncertain significance. Review status: criteria provided, multiple submitters, no conflicts (2 of 4 stars). 2 submissions from 2 submitters: Uncertain significance (2). Last evaluated 2023-05-23.

Conditions:
Inborn genetic diseases. Identifiers: MedGen C0950123, MeSH D030342.

Allele frequency attached by ClinVar (database versions not stated): TOPMed below 0.00001; ExAC 0.00001; gnomAD 0.00001; gnomAD exomes 0.00001; ESP Exome Variant Server 0.00008.
gnomAD v4.1: 5 of 1,614,034 alleles (0.00031%); highest among the groups gnomAD compares: Non-Finnish European, 0.000085%; no homozygotes.

Submissions (2):

Ambry Genetics
Classification: Uncertain significance for Inborn genetic diseases. Last evaluated: 2023-05-23. Review status: criteria provided, single submitter. Criteria: Ambry Variant Classification Scheme 2023. Collection method: clinical testing. Allele origin: germline.

Labcorp Genetics (formerly Invitae), Labcorp
Classification: Uncertain significance. Last evaluated: 2022-10-05. Review status: criteria provided, single submitter. Criteria: Invitae Variant Classification Sherloc (09022015). Collection method: clinical testing. Allele origin: germline.
Comment: ClinVar contains an entry for this variant (Variation ID: 1058125). Algorithms developed to predict the effect of missense changes on protein structure and function output the following: SIFT: "Tolerated"; PolyPhen-2: "Benign"; Align-GVGD: "Class C0". The valine amino acid residue is found in multiple mammalian species, which suggests that this missense change does not adversely affect protein function. In summary, the available evidence is currently insufficient to determine the role of this variant in disease. Therefore, it has been classified as a Variant of Uncertain Significance. This sequence change replaces isoleucine, which is neutral and non-polar, with valine, which is neutral and non-polar, at codon 1232 of the RP1 protein (p.Ile1232Val). This variant is present in population databases (rs368788385, gnomAD 0.02%). This variant has not been reported in the literature in individuals affected with RP1-related conditions.